The following is an entry in ClinVar:

ClinVar aggregate classification (germline): Likely benign (0 of 4 stars; one submission).

Conditions:
DLGAP2-related disorder. Also called: DLGAP2-related condition.

Allele frequency attached by ClinVar (database versions not stated): TOPMed 0.00004; gnomAD 0.00014; gnomAD exomes 0.00021; ExAC 0.00043; 1000 Genomes Project 0.00120; 1000 Genomes Project 30x 0.00125.
gnomAD v4.1: 328 of 1,613,812 alleles (0.02%); highest among the groups gnomAD compares: South Asian, 0.32%; 4 homozygotes.

Submission:

PreventionGenetics, part of Exact Sciences
Classification: Likely benign for DLGAP2-related condition. Last evaluated: 2019-06-27. Review status: no assertion criteria provided. Collection method: clinical testing. Allele origin: germline.
Comment: This variant is classified as likely benign based on ACMG/AMP sequence variant interpretation guidelines (Richards et al. 2015 PMID: 25741868, with internal and published modifications).

NM_001346810.2(DLGAP2):c.1810+10C>T

Genes: DLGAP2 (DLG associated protein 2; plus strand), LOC126860276 (BRD4-independent group 4 enhancer GRCh37_chr8:1580608-1581807; plus strand). Cytogenetic location: 8p23.3.
Variant type: single nucleotide variant.
Coding change: c.1810+10C>T on transcript NM_001346810.2 (MANE Select); 10 bases into the intron after coding-DNA position 1810, C replaced by T.
Molecular consequence: intron variant.
Genome position (GRCh38, 1-based): chr8:1,633,056, C>T. VCF-style: chr8-1633056-C-T. GRCh37 (hg19) VCF-style: chr8-1581222-C-T.
Identifiers: ClinVar variation 3043398 (VCV003043398.2), dbSNP rs552932202, ClinGen allele CA4598614.